The following is an entry in ClinVar:

NM_153676.4(USH1C):c.2395G>A (p.Gly799Arg)

Gene: USH1C (USH1 protein network component harmonin; minus strand). Cytogenetic location: 11p15.1.
Variant type: single nucleotide variant.
Coding change: c.2395G>A on transcript NM_153676.4 (MANE Select); coding-DNA position 2395, G replaced by A.
Protein change: p.Gly799Arg; replaces glycine 799 with arginine.
Molecular consequence: missense variant. On other transcripts: non-coding transcript variant (1).
Genome position (GRCh38, 1-based): chr11:17,498,257, C>T on the plus strand (G>A on the coding strand, the complement: USH1C is on the minus strand). VCF-style: chr11-17498257-C-T. GRCh37 (hg19) VCF-style: chr11-17519804-C-T.
Other names: c.1438G>A, p.Gly480Arg (NM_001297764.2); c.1495G>A, p.Gly499Arg (NM_005709.4); short protein forms G499R, G799R, G480R.
Identifiers: ClinVar variation 1979054 (VCV001979054.2), dbSNP rs1403495776, ClinGen allele CA379801320.

ClinVar aggregate classification (germline): Uncertain significance. Review status: criteria provided, multiple submitters, no conflicts (2 of 4 stars). 2 submissions from 2 submitters: Uncertain significance (2). Last evaluated 2021-08-31.

gnomAD v4.1: 9 of 1,614,048 alleles (0.00056%); highest among the groups gnomAD compares: Non-Finnish European, 0.00076%; no homozygotes.

Submissions (2):

Labcorp Genetics (formerly Invitae), Labcorp
Classification: Uncertain significance. Last evaluated: 2021-08-31. Review status: criteria provided, single submitter. Criteria: Invitae Variant Classification Sherloc (09022015). Collection method: clinical testing. Allele origin: germline.
Comment: This sequence change replaces glycine with arginine at codon 499 of the USH1C protein (p.Gly499Arg). The glycine residue is highly conserved and there is a moderate physicochemical difference between glycine and arginine. This variant is not present in population databases (ExAC no frequency). This variant has not been reported in the literature in individuals affected with USH1C-related conditions. Algorithms developed to predict the effect of missense changes on protein structure and function are either unavailable or do not agree on the potential impact of this missense change (SIFT: "Deleterious"; PolyPhen-2: "Probably Damaging"; Align-GVGD: "Class C15"). In summary, the available evidence is currently insufficient to determine the role of this variant in disease. Therefore, it has been classified as a Variant of Uncertain Significance.

Blueprint Genetics
Classification: Uncertain significance. Last evaluated: 2019-01-29. Review status: criteria provided, single submitter. Criteria: ACMG Guidelines, 2015. Collection method: clinical testing. Allele origin: germline.